The following is an entry in ClinVar:

NM_000553.6(WRN):c.2967+2dup

Gene: WRN (WRN RecQ like helicase; plus strand). Cytogenetic location: 8p12.
Variant type: Duplication.
Coding change: c.2967+2dup on transcript NM_000553.6 (MANE Select); the canonical splice donor site of the intron after coding-DNA position 2967, one base duplicated (T; older notation c.2967+2dupT).
Molecular consequence: splice donor variant.
Genome position (GRCh38, 1-based): chr8:31,132,508, T duplicated. VCF-style (leftmost placement, unchanged base first): chr8-31132507-G-GT. GRCh37 (hg19) VCF-style: chr8-30990023-G-GT.
Other names: c.2967+2dupT (NM_000553.4).
Identifiers: ClinVar variation 458437 (VCV000458437.6), dbSNP rs1366512232, ClinGen allele CA658657756.

ClinVar aggregate classification (germline): Uncertain significance (1 of 4 stars; one submission).

Conditions:
Werner syndrome (WRN). Identifiers: Orphanet 902, MedGen C0043119, MONDO:0010196, OMIM 277700.

Allele frequency attached by ClinVar (database versions not stated): gnomAD 0.00001; TOPMed 0.00001.

Submission:

Labcorp Genetics (formerly Invitae), Labcorp
Classification: Uncertain significance for Werner syndrome. Last evaluated: 2026-01-13. Review status: criteria provided, single submitter. Criteria: Invitae Variant Classification Sherloc (09022015). Collection method: clinical testing. Allele origin: germline.
Comment: This sequence change falls in intron 24 of the WRN gene. It does not directly change the encoded amino acid sequence of the WRN protein. It affects a nucleotide within the consensus splice site. This variant is not present in population databases (gnomAD no frequency). This variant has not been reported in the literature in individuals affected with WRN-related conditions. ClinVar contains an entry for this variant (Variation ID: 458437). Variants that disrupt the consensus splice site are a relatively common cause of aberrant splicing (PMID: 17576681, 9536098). Studies have shown that this variant is associated with inconclusive levels of altered splicing (internal data). In summary, the available evidence is currently insufficient to determine the role of this variant in disease. Therefore, it has been classified as a Variant of Uncertain Significance.

Literature cited by the submitters: PubMed 17576681; PubMed 9536098.